The following is an entry in ClinVar:

NM_000138.5(FBN1):c.3699_3702dup (p.Ser1235fs)

Gene: FBN1 (fibrillin 1; minus strand). Cytogenetic location: 15q21.1.
Variant type: Microsatellite.
Coding change: c.3699_3702dup on transcript NM_000138.5 (MANE Select); coding-DNA positions 3699 to 3702, 4 bases duplicated (GAGA; older notation c.3699_3702dupGAGA).
Protein change: p.Ser1235fs; shifts the reading frame from serine 1235.
Molecular consequence: frameshift variant.
Genome position (GRCh38, 1-based): chr15:48,485,384-48,485,387, TCTC duplicated on the plus strand (GAGA on the coding strand, the reverse complement: FBN1 is on the minus strand); duplicating any 4 consecutive bases within chr15:48,485,384-48,485,388 gives the same sequence; the c. name uses the placement nearest the transcript's 3' end. VCF-style (leftmost placement, unchanged base first): chr15-48485383-A-ATCTC. GRCh37 (hg19) VCF-style: chr15-48777580-A-ATCTC.
Other names: c.3699_3702dup, p.Ser1235fs (NM_001406716.1); short protein forms S1235fs.
Identifiers: ClinVar variation 3760235 (VCV003760235.2).

ClinVar aggregate classification (germline): Pathogenic (1 of 4 stars; one submission).

Conditions:
Marfan syndrome (MFS). Also called: MARFAN SYNDROME, TYPE I; Marfan syndrome type 1; Marfan's syndrome; Marfan syndrome, classic; FBN1-Related Marfan Syndrome. Identifiers: Orphanet 284963, Orphanet 558, MedGen C0024796, MONDO:0007947, OMIM 154700.
Familial thoracic aortic aneurysm and aortic dissection (TAAD). Also called: Thoracic aortic aneurysms and dissections. Identifiers: Orphanet 91387, MedGen C4707243, MONDO:0019625.

Submission:

Labcorp Genetics (formerly Invitae), Labcorp
Classification: Pathogenic for Marfan syndrome; Familial thoracic aortic aneurysm and aortic dissection. Last evaluated: 2025-01-02. Review status: criteria provided, single submitter. Criteria: Invitae Variant Classification Sherloc (09022015). Collection method: clinical testing. Allele origin: germline.
Comment: This sequence change creates a premature translational stop signal (p.Ser1235Glufs*8) in the FBN1 gene. It is expected to result in an absent or disrupted protein product. Loss-of-function variants in FBN1 are known to be pathogenic (PMID: 17657824, 19293843). This variant is not present in population databases (gnomAD no frequency). This variant has not been reported in the literature in individuals affected with FBN1-related conditions. For these reasons, this variant has been classified as Pathogenic.

Literature cited by the submitters: PubMed 17657824; PubMed 19293843.